The following is an entry in ClinVar:

NM_000059.4(BRCA2):c.1568A>T (p.His523Leu)

Gene: BRCA2 (BRCA2 DNA repair associated; plus strand). Cytogenetic location: 13q13.1.
Variant type: single nucleotide variant.
Coding change: c.1568A>T on transcript NM_000059.4 (MANE Select); coding-DNA position 1568, A replaced by T.
Protein change: p.His523Leu; replaces histidine 523 with leucine.
Molecular consequence: missense variant.
Genome position (GRCh38, 1-based): chr13:32,333,046, A>T. VCF-style: chr13-32333046-A-T. GRCh37 (hg19) VCF-style: chr13-32907183-A-T.
Other names: short protein forms H523L.
Identifiers: ClinVar variation 51144 (VCV000051144.29), dbSNP rs80358443, ClinGen allele CA012447.

ClinVar aggregate classification (germline): Conflicting classifications of pathogenicity. Review status: criteria provided, conflicting classifications (1 of 4 stars). 6 submissions from 6 submitters: Uncertain significance (3); Likely benign (2). 1 of the submissions does not count toward it. Last evaluated 2025-12-22.

Conditions:
Hereditary cancer-predisposing syndrome. Also called: Hereditary Cancer Syndrome; Tumor predisposition; Neoplastic Syndromes, Hereditary; Hereditary neoplastic syndrome. Identifiers: Orphanet 140162, MedGen C0027672, MeSH D009386, MONDO:0015356.
Hereditary breast ovarian cancer syndrome. Also called: Breast and ovarian cancer; BRCA1- and BRCA2-Associated Hereditary Breast and Ovarian Cancer; Hereditary breast and ovarian cancer; Hereditary breast and ovarian cancer syndrome (HBOC); Hereditary breast and ovarian cancer syndrome; Hereditary breast and/or ovarian cancer syndrome. Identifiers: Orphanet 145, MedGen C0677776, MeSH D061325, MONDO:0003582. Disease mechanism: loss of function.
Breast-ovarian cancer, familial, susceptibility to, 2 (BROVCA2). Also called: BRCA2 Hereditary Breast and Ovarian Cancer. Identifiers: Orphanet 145, MedGen C2675520, MONDO:0012933, OMIM 612555. Disease mechanism: loss of function.

Submissions (6):

Labcorp Genetics (formerly Invitae), Labcorp
Classification: Uncertain significance for Hereditary breast ovarian cancer syndrome. Last evaluated: 2025-12-22. Review status: criteria provided, single submitter. Criteria: Invitae Variant Classification Sherloc (09022015). Collection method: clinical testing. Allele origin: germline.
Comment: This sequence change replaces histidine, which is basic and polar, with leucine, which is neutral and non-polar, at codon 523 of the BRCA2 protein (p.His523Leu). This variant is not present in population databases (gnomAD no frequency). This missense change has been observed in individual(s) with hereditary breast and ovarian cancer syndrome (PMID: 10923033, 31825140). ClinVar contains an entry for this variant (Variation ID: 51144). Invitae Evidence Modeling of protein sequence and biophysical properties (such as structural, functional, and spatial information, amino acid conservation, physicochemical variation, residue mobility, and thermodynamic stability) indicates that this missense variant is not expected to disrupt BRCA2 protein function with a negative predictive value of 95%. In summary, the available evidence is currently insufficient to determine the role of this variant in disease. Therefore, it has been classified as a Variant of Uncertain Significance.

CeGaT Center for Human Genetics Tuebingen
Classification: Uncertain significance. Last evaluated: 2024-11-01. Review status: criteria provided, single submitter. Criteria: CeGaT Center For Human Genetics Tuebingen Variant Classification Criteria Version 2. Collection method: clinical testing. Allele origin: germline. Affected: yes. Observed: 1 variant allele.
Comment: BRCA2: PM2, BP4

Ambry Genetics
Classification: Likely benign for Hereditary cancer-predisposing syndrome. Last evaluated: 2024-04-11. Review status: criteria provided, single submitter. Criteria: Ambry Variant Classification Scheme 2023. Collection method: clinical testing. Allele origin: germline.

Quest Diagnostics Nichols Institute San Juan Capistrano
Classification: Uncertain significance. Last evaluated: 2023-10-23. Review status: criteria provided, single submitter. Criteria: Quest Diagnostics criteria. Collection method: clinical testing. Allele origin: unknown.
Comment: The BRCA2 c.1568A>T (p.His523Leu) variant has been reported in the published literature in an individual with breast and/or ovarian cancer (PMID: 31825140 (2019)), and described to be located in a region of the BRCA2 gene that is tolerant to missense sequence changes (PMID: 31911673 (2020)). In addition, this variant has been reported in an unaffected individual (PMID: 33471991 (2021), see also LOVD). This variant has not been reported in large, multi-ethnic general populations (Genome Aggregation Database). Analysis of this variant using bioinformatics tools for the prediction of the effect of amino acid changes on protein structure and function yielded predictions that this variant is benign. Based on the available information, we are unable to determine the clinical significance of this variant.

University of Washington Department of Laboratory Medicine, University of Washington
Classification: Likely benign for Hereditary cancer-predisposing syndrome. Last evaluated: 2023-03-23. Review status: criteria provided, single submitter. Criteria: Dines et al. (Genet Med. 2020). Collection method: curation. Allele origin: germline.
Comment: Missense variant in a coldspot region where missense variants are very unlikely to be pathogenic (PMID:31911673).

BRCA2 exon 10 coldspot. Reclassification based on statistical prior probability.

Breast Cancer Information Core (BIC) (BRCA2)
Classification: Uncertain significance for Breast-ovarian cancer, familial 2. Last evaluated: 2004-02-20. Review status: no assertion criteria provided. Collection method: clinical testing. Allele origin: germline. Affected: yes. Observed: 2 variant alleles. Not counted in ClinVar's aggregate classification.

Literature cited by the submitters: PubMed 10923033 (cited by Labcorp Genetics (formerly Invitae), Labcorp); PubMed 31825140 (cited by Labcorp Genetics (formerly Invitae), Labcorp and Quest Diagnostics Nichols Institute San Juan Capistrano); PubMed 31911673 (cited by Quest Diagnostics Nichols Institute San Juan Capistrano); PubMed 33471991 (cited by Quest Diagnostics Nichols Institute San Juan Capistrano).